The following is an entry in ClinVar:

ClinVar aggregate classification (germline): Uncertain significance. Review status: criteria provided, multiple submitters, no conflicts (2 of 4 stars). 3 submissions from 3 submitters: Uncertain significance (3). Last evaluated 2024-12-29.

Conditions:
Hereditary cancer-predisposing syndrome. Also called: Neoplastic Syndromes, Hereditary; Hereditary neoplastic syndrome; Tumor predisposition; Hereditary Cancer Syndrome. Identifiers: Orphanet 140162, MedGen C0027672, MeSH D009386, MONDO:0015356.
Isolated focal cortical dysplasia type II (FCORD2). Also called: CORTICAL DYSPLASIA OF TAYLOR; Focal cortical dysplasia type II. Identifiers: Orphanet 268994, MedGen C1846385, MONDO:0011818, OMIM 607341, HP:0032051.
Lymphangiomyomatosis (LAM). Also called: Lymphangioleiomyomatosis; Lymphangioleiomyomatosis, somatic. Identifiers: Orphanet 538, MedGen C0751674, MONDO:0011705, OMIM 606690.
Tuberous sclerosis 2 (TSC2). Identifiers: Orphanet 805, MedGen C1860707, MONDO:0013199, OMIM 613254.

Submissions (3):

Labcorp Genetics (formerly Invitae), Labcorp
Classification: Uncertain significance for Tuberous sclerosis 2. Last evaluated: 2024-12-29. Review status: criteria provided, single submitter. Criteria: Invitae Variant Classification Sherloc (09022015). Collection method: clinical testing. Allele origin: germline.
Comment: This sequence change replaces isoleucine, which is neutral and non-polar, with valine, which is neutral and non-polar, at codon 1197 of the TSC2 protein (p.Ile1197Val). This variant is not present in population databases (gnomAD no frequency). This variant has not been reported in the literature in individuals affected with TSC2-related conditions. ClinVar contains an entry for this variant (Variation ID: 841276). Invitae Evidence Modeling of protein sequence and biophysical properties (such as structural, functional, and spatial information, amino acid conservation, physicochemical variation, residue mobility, and thermodynamic stability) indicates that this missense variant is not expected to disrupt TSC2 protein function with a negative predictive value of 95%. In summary, the available evidence is currently insufficient to determine the role of this variant in disease. Therefore, it has been classified as a Variant of Uncertain Significance.

Ambry Genetics
Classification: Uncertain significance for Hereditary cancer-predisposing syndrome. Last evaluated: 2024-03-16. Review status: criteria provided, single submitter. Criteria: Ambry Variant Classification Scheme 2023. Collection method: clinical testing. Allele origin: germline.
Comment: The p.I1197V variant (also known as c.3589A>G), located in coding exon 29 of the TSC2 gene, results from an A to G substitution at nucleotide position 3589. The isoleucine at codon 1197 is replaced by valine, an amino acid with highly similar properties. This amino acid position is highly conserved in available vertebrate species. In addition, the in silico prediction for this alteration is inconclusive. Since supporting evidence is limited at this time, the clinical significance of this alteration remains unclear.

Fulgent Genetics
Classification: Uncertain significance for Lymphangiomyomatosis; Isolated focal cortical dysplasia type II; Tuberous sclerosis 2. Last evaluated: 2024-03-04. Review status: criteria provided, single submitter. Criteria: ACMG Guidelines, 2015. Collection method: clinical testing. Allele origin: germline.

NM_000548.5(TSC2):c.3589A>G (p.Ile1197Val)

Gene: TSC2 (TSC complex subunit 2; plus strand). Cytogenetic location: 16p13.3.
Variant type: single nucleotide variant.
Coding change: c.3589A>G on transcript NM_000548.5 (MANE Select); coding-DNA position 3589, A replaced by G.
Protein change: p.Ile1197Val; replaces isoleucine 1197 with valine.
Molecular consequence: missense variant.
Genome position (GRCh38, 1-based): chr16:2,080,356, A>G. VCF-style: chr16-2080356-A-G. GRCh37 (hg19) VCF-style: chr16-2130357-A-G.
Other names: c.3457A>G, p.Ile1153Val (NM_001077183.3, NM_001370404.1); c.3589A>G, p.Ile1197Val (NM_001114382.3); c.3349A>G, p.Ile1117Val (NM_001318827.2); c.3313A>G, p.Ile1105Val (NM_001318829.2); c.2857A>G, p.Ile953Val (NM_001318831.2); c.3490A>G, p.Ile1164Val (NM_001318832.2); c.3460A>G, p.Ile1154Val (NM_001363528.2, NM_001370405.1, NM_021055.3); short protein forms I1117V, I1197V, I1105V, I1164V, I1153V, I1154V, I953V.
Identifiers: ClinVar variation 841276 (VCV000841276.14), dbSNP rs2089979590, ClinGen allele CA394289676.